The following is an entry in ClinVar:

ClinVar aggregate classification (germline): Likely pathogenic (1 of 4 stars; one submission).

Conditions:
Gorlin syndrome. Also called: Nevoid Basal Cell Carcinoma Syndrome; Basal cell nevus syndrome. Identifiers: Orphanet 377, MedGen C0004779, MONDO:0007187.
Medulloblastoma (MDB). Also called: Medulloblastoma, somatic; MEDULLOBLASTOMA PREDISPOSITION SYNDROME. Identifiers: Orphanet 616, MedGen C0025149, MeSH D008527, MONDO:0007959, OMIM 155255, HP:0002885.

Submission:

Labcorp Genetics (formerly Invitae), Labcorp
Classification: Likely pathogenic for Gorlin syndrome; Medulloblastoma. Last evaluated: 2025-10-09. Review status: criteria provided, single submitter. Criteria: Invitae Variant Classification Sherloc (09022015). Collection method: clinical testing. Allele origin: germline.
Comment: This sequence change affects a donor splice site in intron 4 of the SUFU gene. It is expected to disrupt RNA splicing. Variants that disrupt the donor or acceptor splice site typically lead to a loss of protein function (PMID: 16199547), and loss-of-function variants in SUFU are known to be pathogenic (PMID: 22508808, 25403219, 33024317). This variant is not present in population databases (gnomAD no frequency). This variant has not been reported in the literature in individuals affected with SUFU-related conditions. ClinVar contains an entry for this variant (Variation ID: 666029). Studies have shown that disruption of this splice site is associated with inconclusive levels of altered splicing (internal data). In summary, the currently available evidence indicates that the variant is pathogenic, but additional data are needed to prove that conclusively. Therefore, this variant has been classified as Likely Pathogenic.

Literature cited by the submitters: PubMed 16199547; PubMed 22508808; PubMed 25403219; PubMed 33024317.

NM_016169.4(SUFU):c.597+1G>C

Gene: SUFU (SUFU negative regulator of hedgehog signaling; plus strand). Cytogenetic location: 10q24.32.
Variant type: single nucleotide variant.
Coding change: c.597+1G>C on transcript NM_016169.4 (MANE Select); the canonical splice donor site of the intron after coding-DNA position 597, G replaced by C.
Molecular consequence: splice donor variant.
Genome position (GRCh38, 1-based): chr10:102,592,725, G>C. VCF-style: chr10-102592725-G-C. GRCh37 (hg19) VCF-style: chr10-104352482-G-C.
Other names: c.597+1G>C (NM_001178133.2).
Identifiers: ClinVar variation 666029 (VCV000666029.11), dbSNP rs1590062006, ClinGen allele CA377908768.
Genomic context (GRCh38, chr10:102,592,725, plus strand): 5'-ACAGAGGACCCACAGATGCAGCCCGTGCAGACACCCTTTGGGGTAGTTACCTTCCTCCAG[G>C]TGAGGCACAGGTTGGACGCTGGCTCAAGCCTTCCTGTGGGAAGGGTCCTGGGAGGACAAG-3'